The following is an entry in ClinVar:

ClinVar aggregate classification (germline): Likely pathogenic (1 of 4 stars; one submission).

Submission:

Labcorp Genetics (formerly Invitae), Labcorp
Classification: Likely pathogenic. Last evaluated: 2024-04-15. Review status: criteria provided, single submitter. Criteria: Invitae Variant Classification Sherloc (09022015). Collection method: clinical testing. Allele origin: germline.
Comment: This sequence change affects a splice site in intron 1 of the LMF1 gene. It is expected to disrupt RNA splicing. Variants that disrupt the donor or acceptor splice site typically lead to a loss of protein function (PMID: 16199547), and loss-of-function variants in LMF1 are known to be pathogenic (PMID: 17994020, 19820022, 22239554). This variant is not present in population databases (gnomAD no frequency). Disruption of this splice site has been observed in individual(s) with clinical features of chylomicronemia (Invitae). Algorithms developed to predict the effect of sequence changes on RNA splicing suggest that this variant may disrupt the consensus splice site. In summary, the currently available evidence indicates that the variant is pathogenic, but additional data are needed to prove that conclusively. Therefore, this variant has been classified as Likely Pathogenic.

Literature cited by the submitters: PubMed 16199547; PubMed 17994020; PubMed 19820022; PubMed 22239554.

NM_022773.4(LMF1):c.193+2_193+3del

Genes: LMF1 (lipase maturation factor 1; minus strand), LOC130058141 (ATAC-STARR-seq lymphoblastoid silent region 6962; plus strand). Cytogenetic location: 16p13.3.
Variant type: Microsatellite.
Coding change: c.193+2_193+3del on transcript NM_022773.4 (MANE Select); the canonical splice donor site of the intron after coding-DNA position 193 through 3 bases into the intron after coding-DNA position 193, 2 bases deleted (TG; older notation c.193+2_193+3delTG).
Molecular consequence: splice donor variant. On other transcripts: intron variant (3).
Genome position (GRCh38, 1-based): chr16:970,785-970,786, CA deleted on the plus strand (TG on the coding strand, the reverse complement: LMF1 is on the minus strand); deleting any 2 consecutive bases within chr16:970,785-970,788 gives the same sequence; the c. name uses the placement nearest the transcript's 3' end. VCF-style (leftmost placement, unchanged base first): chr16-970784-TCA-T. GRCh37 (hg19) VCF-style: chr16-1020784-TCA-T.
Other names: c.-135+10359_-135+10360del (NM_001352019.2); c.-611+10359_-611+10360del (NM_001352017.2); c.-362+10359_-362+10360del (NM_001352018.2); c.193+2_193+3del (NM_001352020.1); c.-513+2_-513+3del (NM_001352021.2).
Identifiers: ClinVar variation 1958720 (VCV001958720.5), dbSNP rs2073027596, ClinGen allele CA2201374172.